The following is an entry in ClinVar:

NM_138713.4(NFAT5):c.1612G>A (p.Val538Met)

Gene: NFAT5 (nuclear factor of activated T cells 5; plus strand). Cytogenetic location: 16q22.1.
Variant type: single nucleotide variant.
Coding change: c.1612G>A on transcript NM_138713.4 (MANE Select); coding-DNA position 1612, G replaced by A.
Protein change: p.Val538Met; replaces valine 538 with methionine.
Molecular consequence: missense variant.
Genome position (GRCh38, 1-based): chr16:69,677,257, G>A. VCF-style: chr16-69677257-G-A. GRCh37 (hg19) VCF-style: chr16-69711160-G-A.
Other names: c.1612G>A, p.Val538Met (NM_001113178.3); c.940G>A, p.Val314Met (NM_001367709.1); c.1558G>A, p.Val520Met (NM_006599.4); c.1330G>A, p.Val444Met (NM_138714.4, NM_173214.3, NM_173215.3); short protein forms V520M, V444M, V314M, V538M.
Identifiers: ClinVar variation 2845727 (VCV002845727.3), dbSNP rs2544131447, ClinGen allele CA396499243.

ClinVar aggregate classification (germline): Uncertain significance (1 of 4 stars; one submission).

Conditions:
Immunodeficiency. Identifiers: MedGen C0021051, MONDO:0021094, HP:0002721.

Allele frequency attached by ClinVar (database versions not stated): gnomAD exomes 0.00001.
gnomAD v4.1: 8 of 1,612,552 alleles (0.0005%); highest among the groups gnomAD compares: Non-Finnish European, 0.00068%; no homozygotes.

Submission:

Labcorp Genetics (formerly Invitae), Labcorp
Classification: Uncertain significance for Immunodeficiency. Last evaluated: 2023-03-14. Review status: criteria provided, single submitter. Criteria: Invitae Variant Classification Sherloc (09022015). Collection method: clinical testing. Allele origin: germline.
Comment: This variant has not been reported in the literature in individuals affected with NFAT5-related conditions. In summary, the available evidence is currently insufficient to determine the role of this variant in disease. Therefore, it has been classified as a Variant of Uncertain Significance. An algorithm developed to predict the effect of missense changes on protein structure and function (PolyPhen-2) suggests that this variant is likely to be disruptive. This variant is not present in population databases (gnomAD no frequency). This sequence change replaces valine, which is neutral and non-polar, with methionine, which is neutral and non-polar, at codon 444 of the NFAT5 protein (p.Val444Met).